The following is an entry in ClinVar:

ClinVar aggregate classification (germline): Uncertain significance (1 of 4 stars; one submission).

gnomAD v4.1: 9 of 1,612,266 alleles (0.00056%); highest among the groups gnomAD compares: South Asian, 0.0011%; no homozygotes.

Submission:

Labcorp Genetics (formerly Invitae), Labcorp
Classification: Uncertain significance. Last evaluated: 2025-12-15. Review status: criteria provided, single submitter. Criteria: Invitae Variant Classification Sherloc (09022015). Collection method: clinical testing. Allele origin: germline.
Comment: This sequence change replaces aspartic acid, which is acidic and polar, with asparagine, which is neutral and polar, at codon 1412 of the KIAA0556 protein (p.Asp1412Asn). This variant is not present in population databases (gnomAD no frequency). This variant has not been reported in the literature in individuals affected with KIAA0556-related conditions. An algorithm developed to predict the effect of missense changes on protein structure and function (PolyPhen-2) suggests that this variant is likely to be disruptive. In summary, the available evidence is currently insufficient to determine the role of this variant in disease. Therefore, it has been classified as a Variant of Uncertain Significance.

NM_015202.5(KATNIP):c.4234G>A (p.Asp1412Asn)

Gene: KATNIP (katanin interacting protein; plus strand). Cytogenetic location: 16p12.1.
Variant type: single nucleotide variant.
Coding change: c.4234G>A on transcript NM_015202.5 (MANE Select); coding-DNA position 4234, G replaced by A.
Protein change: p.Asp1412Asn; replaces aspartic acid 1412 with asparagine.
Molecular consequence: missense variant.
Genome position (GRCh38, 1-based): chr16:27,773,134, G>A. VCF-style: chr16-27773134-G-A. GRCh37 (hg19) VCF-style: chr16-27784455-G-A.
Other names: short protein forms D1412N.
Identifiers: ClinVar variation 4812024 (VCV004812024.1).